The following is an entry in ClinVar:

ClinVar aggregate classification (germline): Likely benign. Review status: criteria provided, multiple submitters, no conflicts (2 of 4 stars). 2 submissions from 2 submitters: Likely benign (2). Last evaluated 2024-03-07.

Conditions:
Autosomal dominant nonsyndromic hearing loss 20. Identifiers: Orphanet 90635, MedGen C1858172, MONDO:0011480, OMIM 604717.
Baraitser-winter syndrome 2. Identifiers: Orphanet 2995, MedGen C3281235, MONDO:0013812, OMIM 614583.

Allele frequency attached by ClinVar (database versions not stated): TOPMed 0.00001.
gnomAD v4.1: 4 of 1,613,876 alleles (0.00025%); highest among the groups gnomAD compares: Admixed American, 0.005%; no homozygotes.

Submissions (2):

Labcorp Genetics (formerly Invitae), Labcorp
Classification: Likely benign for Baraitser-winter syndrome 2; Autosomal dominant nonsyndromic hearing loss 20. Last evaluated: 2024-03-07. Review status: criteria provided, single submitter. Criteria: Invitae Variant Classification Sherloc (09022015). Collection method: clinical testing. Allele origin: germline.

GeneDx
Classification: Likely benign. Last evaluated: 2016-12-19. Review status: criteria provided, single submitter. Criteria: GeneDx Variant Classification (06012015). Collection method: clinical testing. Allele origin: germline. Affected: yes.
Comment: This variant is considered likely benign or benign based on one or more of the following criteria: it is a conservative change, it occurs at a poorly conserved position in the protein, it is predicted to be benign by multiple in silico algorithms, and/or has population frequency not consistent with disease.

NM_001614.5(ACTG1):c.174C>G (p.Ala58=)

Gene: ACTG1 (actin gamma 1; minus strand). Cytogenetic location: 17q25.3.
Variant type: single nucleotide variant.
Coding change: c.174C>G on transcript NM_001614.5 (MANE Select); coding-DNA position 174, C replaced by G.
Protein change: p.Ala58=; no amino-acid change (alanine 58 retained).
Molecular consequence: synonymous variant. On other transcripts: non-coding transcript variant (1).
Genome position (GRCh38, 1-based): chr17:81,512,092, G>C on the plus strand (C>G on the coding strand, the complement: ACTG1 is on the minus strand). VCF-style: chr17-81512092-G-C. GRCh37 (hg19) VCF-style: chr17-79479118-G-C.
Other names: c.174C>G, p.Ala58= (NM_001199954.3).
Identifiers: ClinVar variation 391995 (VCV000391995.7), dbSNP rs782205858, ClinGen allele CA8836330.